The following is an entry in ClinVar:

ClinVar aggregate classification (germline): Benign/Likely benign. Review status: criteria provided, multiple submitters, no conflicts (2 of 4 stars). 9 submissions from 9 submitters: Benign (6); Likely benign (3). Last evaluated 2026-02-01.

Conditions:
Hirschsprung disease, susceptibility to, 2. Identifiers: Orphanet 388, MedGen C1838564, MONDO:0010833, OMIM 600155.

Allele frequency attached by ClinVar (database versions not stated): gnomAD exomes 0.00392 and 0.00548; ExAC 0.00583; 1000 Genomes Project 30x 0.01077; gnomAD 0.01078 and 0.01149; 1000 Genomes Project 0.01138; TOPMed 0.01211; ESP Exome Variant Server 0.01322.
gnomAD v4.1: 7,546 of 1,612,902 alleles (0.47%); highest among the groups gnomAD compares: African/African-American, 3%; 64 homozygotes.

Submissions (9):

Labcorp Genetics (formerly Invitae), Labcorp
Classification: Benign. Last evaluated: 2026-02-01. Review status: criteria provided, single submitter. Criteria: Invitae Variant Classification Sherloc (09022015). Collection method: clinical testing. Allele origin: germline.

Blueprint Genetics
Classification: Likely benign. Last evaluated: 2024-11-22. Review status: criteria provided, single submitter. Criteria: ACMG Guidelines, 2015. Collection method: clinical testing. Allele origin: germline.

Athena Diagnostics
Classification: Benign. Last evaluated: 2021-03-03. Review status: criteria provided, single submitter. Criteria: Athena Diagnostics criteria. Collection method: clinical testing. Allele origin: unknown.

GeneDx
Classification: Benign. Last evaluated: 2018-05-24. Review status: criteria provided, single submitter. Criteria: GeneDx Variant Classification Process June 2021. Collection method: clinical testing. Allele origin: germline. Affected: yes.
Comment: This variant is associated with the following publications: (PMID: 17618893, 12628594, 22993632, 20009762)

Illumina Laboratory Services, Illumina
Classification: Likely benign for Hirschsprung disease, susceptibility to, 2. Last evaluated: 2018-03-06. Review status: criteria provided, single submitter. Criteria: ICSL Variant Classification Criteria 13 December 2019. Collection method: clinical testing. Allele origin: germline.
Comment: This variant was observed in the ICSL laboratory as part of a predisposition screen in an ostensibly healthy population. It had not been previously curated by ICSL or reported in the Human Gene Mutation Database (HGMD: prior to June 1st, 2018), and was therefore a candidate for classification through an automated scoring system. Utilizing variant allele frequency, disease prevalence and penetrance estimates, and inheritance mode, an automated score was calculated to assess if this variant is too frequent to cause the disease. Based on the score and internal cut-off values, a variant classified as likely benign is not then subjected to further curation. The score for this variant resulted in a classification of likely benign for this disease.

Eurofins Ntd Llc (ga)
Classification: Benign. Last evaluated: 2017-03-09. Review status: criteria provided, single submitter. Criteria: EGL Classification Definitions 2015. Collection method: clinical testing. Allele origin: germline. Observed: 1 variant allele, 1 heterozygote.

Laboratory for Molecular Medicine, Mass General Brigham Personalized Medicine
Classification: Benign. Last evaluated: 2015-01-13. Review status: criteria provided, single submitter. Criteria: LMM Criteria. Collection method: clinical testing. Allele origin: germline. Observed: 22 variant alleles.
Comment: p.Ile277Ile in exon 3 of EDNRB: This variant is not expected to have clinical si gnificance because it does not alter an amino acid residue and is not located wi thin the splice consensus sequence. It has been identified in 2.9% (128/4406) of African American chromosomes from a broad population by the NHLBI Exome Sequenc ing Project (dbSNP rs5349).

Breakthrough Genomics
Classification: Likely benign. Review status: criteria provided, single submitter. Criteria: ACMG Guidelines, 2015. Collection method: not provided. Allele origin: germline. Inheritance: Autosomal recessive inheritance. Affected: yes.

PreventionGenetics, part of Exact Sciences
Classification: Benign. Review status: criteria provided, single submitter. Criteria: ACMG Guidelines, 2015. Collection method: clinical testing. Allele origin: germline.

Literature cited by the submitters: PubMed 20009762 (cited by Athena Diagnostics); PubMed 18758497 (cited by Athena Diagnostics); PubMed 30218169 (cited by Athena Diagnostics); PubMed 12628594 (cited by Athena Diagnostics); PubMed 17618893 (cited by Athena Diagnostics); PubMed 16518596 (cited by Athena Diagnostics); PubMed 21507037 (cited by Athena Diagnostics); PubMed 16145050 (cited by Athena Diagnostics); PubMed 18633623 (cited by Athena Diagnostics).

NM_001122659.3(EDNRB):c.561C>T (p.Ile187=)

Genes: EDNRB (endothelin receptor type B; minus strand), EDNRB-AS1 (EDNRB antisense RNA 1; plus strand). Cytogenetic location: 13q22.3.
Variant type: single nucleotide variant.
Coding change: c.561C>T on transcript NM_001122659.3 (MANE Select); coding-DNA position 561, C replaced by T.
Protein change: p.Ile187=; no amino-acid change (isoleucine 187 retained).
Molecular consequence: synonymous variant.
Genome position (GRCh38, 1-based): chr13:77,903,530, G>A on the plus strand (C>T on the coding strand, the complement: EDNRB is on the minus strand). VCF-style: chr13-77903530-G-A. GRCh37 (hg19) VCF-style: chr13-78477665-G-A.
Other names: c.561C>T, p.Ile187= (NM_000115.5, NM_003991.4); c.831C>T, p.Ile277= (NM_001201397.2).
Identifiers: ClinVar variation 226626 (VCV000226626.26), dbSNP rs5349, ClinGen allele CA7012310.